The following is an entry in ClinVar:

NM_001256545.2(MEGF10):c.2175C>T (p.Ser725=)

Gene: MEGF10 (multiple EGF like domains 10; plus strand). Cytogenetic location: 5q23.2.
Variant type: single nucleotide variant.
Coding change: c.2175C>T on transcript NM_001256545.2 (MANE Select); coding-DNA position 2175, C replaced by T.
Protein change: p.Ser725=; no amino-acid change (serine 725 retained).
Molecular consequence: synonymous variant.
Genome position (GRCh38, 1-based): chr5:127,438,509, C>T. VCF-style: chr5-127438509-C-T. GRCh37 (hg19) VCF-style: chr5-126774201-C-T.
Other names: c.2175C>T, p.Ser725= (NM_032446.3).
Identifiers: ClinVar variation 350659 (VCV000350659.18), dbSNP rs558369303, ClinGen allele CA3391859.
Genomic context (GRCh38, chr5:127,438,509, plus strand): 5'-TGCCCACTGGGGCCCAAACTGCATCCACACGTGCAACTGCCATAATGGAGCTTTCTGCAG[C>T]GCCTACGATGGGGAATGTAAATGCACTCCTGGCTGGACAGGGCTCTACTGCACTCAGAGT-3'
Protein context (NP_001243474.1, residues 715-735): TCNCHNGAFC[Ser725=]AYDGECKCTP

ClinVar aggregate classification (germline): Conflicting classifications of pathogenicity. Review status: criteria provided, conflicting classifications (1 of 4 stars). 3 submissions from 3 submitters: Uncertain significance (1); Benign (1). 1 of the submissions does not count toward it. Last evaluated 2026-02-01.

Conditions:
MEGF10-related disorder. Also called: MEGF10-related condition.
MEGF10-related myopathy (CMYO10A). Also called: Congenital myopathy 10A, severe variant. Identifiers: Orphanet 439212, MedGen C3280679, MONDO:0013731, OMIM 614399.

Allele frequency attached by ClinVar (database versions not stated): gnomAD 0.00064 and 0.00006; gnomAD exomes 0.00106 and 0.00216; ExAC 0.00231; 1000 Genomes Project 0.00379; 1000 Genomes Project 30x 0.00422; TOPMed 0.00014.
gnomAD v4.1: 1,659 of 1,614,130 alleles (0.1%); highest among the groups gnomAD compares: South Asian, 1.7%; 39 homozygotes.

Submissions (3):

Labcorp Genetics (formerly Invitae), Labcorp
Classification: Benign for MEGF10-related myopathy. Last evaluated: 2026-02-01. Review status: criteria provided, single submitter. Criteria: Invitae Variant Classification Sherloc (09022015). Collection method: clinical testing. Allele origin: germline.

Illumina Laboratory Services, Illumina
Classification: Uncertain significance for MEGF10-related myopathy. Last evaluated: 2018-01-13. Review status: criteria provided, single submitter. Criteria: ICSL Variant Classification Criteria 13 December 2019. Collection method: clinical testing. Allele origin: germline.

PreventionGenetics, part of Exact Sciences
Classification: Benign for MEGF10-related condition. Last evaluated: 2019-02-21. Review status: no assertion criteria provided. Collection method: clinical testing. Allele origin: germline. Not counted in ClinVar's aggregate classification.
Comment: This variant is classified as benign based on ACMG/AMP sequence variant interpretation guidelines (Richards et al. 2015 PMID: 25741868, with internal and published modifications).